The following is an entry in ClinVar:

ClinVar aggregate classification (germline): Benign/Likely benign. Review status: criteria provided, multiple submitters, no conflicts (2 of 4 stars). 2 submissions from 2 submitters: Benign (1); Likely benign (1). Last evaluated 2025-11-05.

Conditions:
Primary ciliary dyskinesia. Also called: Ciliary dyskinesia. Identifiers: Orphanet 244, MedGen C0008780, MONDO:0016575, HP:0012265.

Allele frequency attached by ClinVar (database versions not stated): gnomAD 0.00004 and 0.00008; TOPMed 0.00005; gnomAD exomes 0.00012 and 0.00028; 1000 Genomes Project 30x 0.00031; 1000 Genomes Project 0.00040; ExAC 0.00055.
gnomAD v4.1: 195 of 1,580,402 alleles (0.012%); highest among the groups gnomAD compares: South Asian, 0.16%; 3 homozygotes.

Submissions (2):

Labcorp Genetics (formerly Invitae), Labcorp
Classification: Benign for Primary ciliary dyskinesia. Last evaluated: 2025-11-05. Review status: criteria provided, single submitter. Criteria: Invitae Variant Classification Sherloc (09022015). Collection method: clinical testing. Allele origin: germline.

CeGaT Center for Human Genetics Tuebingen
Classification: Likely benign. Last evaluated: 2023-01-01. Review status: criteria provided, single submitter. Criteria: CeGaT Center For Human Genetics Tuebingen Variant Classification Criteria Version 2. Collection method: clinical testing. Allele origin: germline. Affected: yes. Observed: 1 variant allele.
Comment: DNAH11: BP4

NM_001277115.2(DNAH11):c.882+7A>G

Gene: DNAH11 (dynein axonemal heavy chain 11; plus strand). Cytogenetic location: 7p15.3.
Variant type: single nucleotide variant.
Coding change: c.882+7A>G on transcript NM_001277115.2 (MANE Select); 7 bases into the intron after coding-DNA position 882, A replaced by G.
Molecular consequence: intron variant.
Genome position (GRCh38, 1-based): chr7:21,559,799, A>G. VCF-style: chr7-21559799-A-G. GRCh37 (hg19) VCF-style: chr7-21599417-A-G.
Identifiers: ClinVar variation 525518 (VCV000525518.33), dbSNP rs533700730, ClinGen allele CA4178804.